The following is an entry in ClinVar:

NM_002386.4(MC1R):c.550G>A (p.Asp184Asn)

Gene: MC1R (melanocortin 1 receptor; plus strand). Cytogenetic location: 16q24.3.
Variant type: single nucleotide variant.
Coding change: c.550G>A on transcript NM_002386.4 (MANE Select); coding-DNA position 550, G replaced by A.
Protein change: p.Asp184Asn; replaces aspartic acid 184 with asparagine.
Molecular consequence: missense variant.
Genome position (GRCh38, 1-based): chr16:89,919,808, G>A. VCF-style: chr16-89919808-G-A. GRCh37 (hg19) VCF-style: chr16-89986216-G-A.
Other names: short protein forms D184N.
Identifiers: ClinVar variation 573646 (VCV000573646.7), dbSNP rs530102853, ClinGen allele CA8255658.

ClinVar aggregate classification (germline): Uncertain significance (1 of 4 stars; one submission).

Conditions:
Melanoma, cutaneous malignant, susceptibility to, 5. Also called: Cutaneous malignant melanoma 5. Identifiers: Orphanet 618, MedGen C2751295, MONDO:0013133, OMIM 613099.

Allele frequency attached by ClinVar (database versions not stated): gnomAD 0.00003; TOPMed 0.00003; 1000 Genomes Project 30x 0.00016; 1000 Genomes Project 0.00020.

Submission:

Labcorp Genetics (formerly Invitae), Labcorp
Classification: Uncertain significance for Melanoma, cutaneous malignant, susceptibility to, 5. Last evaluated: 2023-06-16. Review status: criteria provided, single submitter. Criteria: Invitae Variant Classification Sherloc (09022015). Collection method: clinical testing. Allele origin: germline.
Comment: In summary, the available evidence is currently insufficient to determine the role of this variant in disease. Therefore, it has been classified as a Variant of Uncertain Significance. Advanced modeling of protein sequence and biophysical properties (such as structural, functional, and spatial information, amino acid conservation, physicochemical variation, residue mobility, and thermodynamic stability) performed at Invitae indicates that this missense variant is not expected to disrupt MC1R protein function. ClinVar contains an entry for this variant (Variation ID: 573646). This missense change has been observed in individual(s) with cutaneous melanoma (PMID: 16982779, 23360207, 23647022, 29340229). This variant is present in population databases (rs530102853, gnomAD 0.01%). This sequence change replaces aspartic acid, which is acidic and polar, with asparagine, which is neutral and polar, at codon 184 of the MC1R protein (p.Asp184Asn).

Literature cited by the submitters: PubMed 16982779; PubMed 23360207; PubMed 23647022; PubMed 29340229.